The following is an entry in ClinVar:

ClinVar aggregate classification (germline): Uncertain significance (1 of 4 stars; one submission).

Conditions:
Atrioventricular septal defect 5 (AVSD5). Identifiers: MedGen C3280939, MONDO:0013769, OMIM 614474.

gnomAD v4.1: 7 of 1,590,090 alleles (0.00044%); highest among the groups gnomAD compares: Non-Finnish European, 0.0006%; no homozygotes.

Submission:

Labcorp Genetics (formerly Invitae), Labcorp
Classification: Uncertain significance for Atrioventricular septal defect 5. Last evaluated: 2025-09-09. Review status: criteria provided, single submitter. Criteria: Invitae Variant Classification Sherloc (09022015). Collection method: clinical testing. Allele origin: germline.
Comment: This sequence change replaces glycine, which is neutral and non-polar, with serine, which is neutral and polar, at codon 56 of the GATA6 protein (p.Gly56Ser). This variant is not present in population databases (gnomAD no frequency). This variant has not been reported in the literature in individuals affected with GATA6-related conditions. ClinVar contains an entry for this variant (Variation ID: 3730451). An algorithm developed to predict the effect of missense changes on protein structure and function (PolyPhen-2) suggests that this variant is likely to be tolerated. In summary, the available evidence is currently insufficient to determine the role of this variant in disease. Therefore, it has been classified as a Variant of Uncertain Significance.

NM_005257.6(GATA6):c.166G>A (p.Gly56Ser)

Gene: GATA6 (GATA binding protein 6; plus strand). Cytogenetic location: 18q11.2.
Variant type: single nucleotide variant.
Coding change: c.166G>A on transcript NM_005257.6 (MANE Select); coding-DNA position 166, G replaced by A.
Protein change: p.Gly56Ser; replaces glycine 56 with serine.
Molecular consequence: missense variant.
Genome position (GRCh38, 1-based): chr18:22,171,310, G>A. VCF-style: chr18-22171310-G-A. GRCh37 (hg19) VCF-style: chr18-19751271-G-A.
Other names: short protein forms G56S.
Identifiers: ClinVar variation 3730451 (VCV003730451.2).